The following is an entry in ClinVar:

ClinVar aggregate classification (germline): Uncertain significance. Review status: criteria provided, multiple submitters, no conflicts (2 of 4 stars). 2 submissions from 2 submitters: Uncertain significance (2). Last evaluated 2025-12-05.

Conditions:
DVL1-related disorder. Also called: DVL1-related condition.

Submissions (2):

PreventionGenetics, part of Exact Sciences
Classification: Uncertain significance for DVL1-related condition. Last evaluated: 2025-12-05. Review status: criteria provided, single submitter. Criteria: ACMG Guidelines, 2015. Collection method: clinical testing. Allele origin: germline.
Comment: The DVL1 c.1669A>G variant is predicted to result in the amino acid substitution p.Ser557Gly. To our knowledge, this variant has not been reported in the literature. This variant is reported in 0.0078% of alleles in individuals of Latino descent in gnomAD. At this time, the clinical significance of this variant is uncertain due to the absence of conclusive functional and genetic evidence.

Labcorp Genetics (formerly Invitae), Labcorp
Classification: Uncertain significance. Last evaluated: 2024-11-21. Review status: criteria provided, single submitter. Criteria: Invitae Variant Classification Sherloc (09022015). Collection method: clinical testing. Allele origin: germline.
Comment: This sequence change replaces serine, which is neutral and polar, with glycine, which is neutral and non-polar, at codon 557 of the DVL1 protein (p.Ser557Gly). This variant is present in population databases (rs756416367, gnomAD 0.008%). This variant has not been reported in the literature in individuals affected with DVL1-related conditions. Invitae Evidence Modeling of protein sequence and biophysical properties (such as structural, functional, and spatial information, amino acid conservation, physicochemical variation, residue mobility, and thermodynamic stability) indicates that this missense variant is not expected to disrupt DVL1 protein function with a negative predictive value of 80%. In summary, the available evidence is currently insufficient to determine the role of this variant in disease. Therefore, it has been classified as a Variant of Uncertain Significance.

NM_001330311.2(DVL1):c.1744A>G (p.Ser582Gly)

Gene: DVL1 (dishevelled segment polarity protein 1; minus strand). Cytogenetic location: 1p36.33.
Variant type: single nucleotide variant.
Coding change: c.1744A>G on transcript NM_001330311.2 (MANE Select); coding-DNA position 1744, A replaced by G.
Protein change: p.Ser582Gly; replaces serine 582 with glycine.
Molecular consequence: missense variant.
Genome position (GRCh38, 1-based): chr1:1,336,486, T>C on the plus strand (A>G on the coding strand, the complement: DVL1 is on the minus strand). VCF-style: chr1-1336486-T-C. GRCh37 (hg19) VCF-style: chr1-1271866-T-C.
Other names: c.1669A>G, p.Ser557Gly (NM_004421.3); c.1669A>G (NM_004421.2); short protein forms S557G, S582G.
Identifiers: ClinVar variation 3614089 (VCV003614089.3).
Genomic context (GRCh38, chr1:1,336,486, plus strand): 5'-TGCCACTGCCCCCAGCTCCCGCCGCCCGACGCTCCTTCTCACGGCCCGGGGCCCGGCGGC[T>C]GCTCCGGGTGGACCCACTGCTTTTGCTCCCTGGGAGTGAGAACAGGATGGGGAAGGAGCC-3'
Protein context (NP_001317240.1, residues 572-592): GSKSSGSTRS[Ser582Gly]RRAPGREKER